The following is an entry in ClinVar:

NM_025243.4(SLC19A3):c.1332C>G (p.Ser444Arg)

Gene: SLC19A3 (solute carrier family 19 member 3; minus strand). Cytogenetic location: 2q36.3.
Variant type: single nucleotide variant.
Coding change: c.1332C>G on transcript NM_025243.4 (MANE Select); coding-DNA position 1332, C replaced by G.
Protein change: p.Ser444Arg; replaces serine 444 with arginine.
Molecular consequence: missense variant.
Genome position (GRCh38, 1-based): chr2:227,687,556, G>C on the plus strand (C>G on the coding strand, the complement: SLC19A3 is on the minus strand). VCF-style: chr2-227687556-G-C. GRCh37 (hg19) VCF-style: chr2-228552272-G-C.
Other names: short protein forms S444R.
Identifiers: ClinVar variation 215158 (VCV000215158.3), dbSNP rs863224204, ClinGen allele CA321539.

ClinVar aggregate classification (germline): Conflicting classifications of pathogenicity. Review status: criteria provided, conflicting classifications (1 of 4 stars). 2 submissions from 2 submitters: Pathogenic (1); Uncertain significance (1). Last evaluated 2026-06-01.

Conditions:
Biotin-responsive basal ganglia disease (BTBGD). Also called: Thiamine metabolism dysfunction syndrome type 2; Thiamine Transporter-2 Deficiency; Thiamine metabolism dysfunction syndrome 2 (biotin- or thiamine-responsive encephalopathy type 2); thiamine-responsive encephalopathy; THIAMINE METABOLISM DYSFUNCTION SYNDROME 2 (BIOTIN- AND THIAMINE-RESPONSIVE TYPE). Identifiers: Orphanet 199348, Orphanet 65284, MedGen C1843807, MONDO:0011841, OMIM 607483.

Allele frequency attached by ClinVar (database versions not stated): gnomAD exomes 0.00001 and below 0.00001; TOPMed below 0.00001.

Submissions (2):

Myriad Genetics, Inc.
Classification: Uncertain significance for Biotin-responsive basal ganglia disease. Last evaluated: 2026-06-01. Review status: criteria provided, single submitter. Criteria: Myriad Autosomal Dominant, Autosomal Recessive and X-Linked Classification Criteria (2023). Collection method: clinical testing. Allele origin: unknown.
Comment: NM_025243.3(SLC19A3):c.1332C>G(S444R) is a missense variant classified as a variant of uncertain significance in the context of biotin-thiamine-responsive basal ganglia disease. S444R has been observed in cases with relevant disease (PMID: 23482991, 31557427). Relevant functional assessments of this variant are not available in the literature. S444R has been observed in referenced population frequency databases. In summary, there is insufficient evidence to classify NM_025243.3(SLC19A3):c.1332C>G(S444R) as pathogenic or benign. Please note: this variant was assessed in the context of healthy population screening.

GeneDx
Classification: Pathogenic. Last evaluated: 2014-04-16. Review status: criteria provided, single submitter. Criteria: GeneDx Variant Classification (06012015). Collection method: clinical testing. Allele origin: germline. Affected: yes.
Comment: p.Ser444Arg (AGC>AGG): c.1332 C>G in exon 6 of the SLC19A3 gene (NM_025243.3) The S444R missense mutation in the SLC19A3 gene has been reported previously in a patient with early-infantile, lethal encephalopathy who was apparently homozygous for the S444R mutation (Kevelam et al., 2013). S444R is a semi-conservative amino acid substitution, which may impact secondary protein structure as these residues differ in some properties. This substitution occurs at a position that is highly conserved across species. In silico analysis predicts that S444R is probably damaging to the protein structure/function. Therefore, we interpret S444R to be a pathogenic mutation. The variant is found in MITONUC-MITOP panel(s).

Literature cited by the submitters: PubMed 23482991 (cited by Myriad Genetics, Inc.); PubMed 31557427 (cited by Myriad Genetics, Inc.).